The following continues an entry in ClinVar:

NM_000372.5(TYR):c.575C>A (p.Ser192Tyr)

Gene: TYR. ClinVar aggregate classification (germline): Conflicting classifications of pathogenicity. Pathogenic (2); Likely pathogenic (1); Uncertain significance (6); Benign (8); Likely benign (2).

Submissions 19 to 24 of 24:

PreventionGenetics, part of Exact Sciences
Classification: Uncertain significance. Review status: criteria provided, single submitter. Criteria: ACMG Guidelines, 2015. Collection method: clinical testing. Allele origin: germline.
Comment: This variant is very common in the general population, being documented in 45% of alleles in individuals of Ashkenazi Jewish descent. Given the high allele frequency, including thousands of homozygotes this variant is not considered pathogenic individually. However, when this variant is in cis (present in the same copy of TYR) with the variant c.1205G>A (p.Arg402Gln), there is strong evidence that they create a pathogenic allele. Functional and phenotypic studies of the complex allele (p.[Arg402Gln;Ser192Tyr]; commonly referred to as a haplotype in the literature) indicate that the two substitutions have a compound effect on thermal stability of the protein and phenotypic spectrum of the individual (Tripathi et al. 1991. PubMed ID: 1820207; Chaki et al. 2011. PubMed ID: 20861851; Jagirdar et al. 2014. PubMed ID: 24739399). The p.[Arg402Gln;Ser192Tyr] allele is thought to be a recombination of the two individual variant alleles and is reported in ~1-2% of alleles (Jagirdar et al. 2014. PubMed ID: 24739399; Norman et al. 2017. PubMed ID: 28667292). However, this complex allele is enriched (up to 20%) in OCA patients with only one previously identified pathogenic variant in TYR (Lasseaux et al. 2018. PubMed ID: 29345414; Grønskov et al. 2019. PubMed ID: 30679655; Campbell et al. 2019. PubMed ID: 31719542). Given the evidence, we interpret the p.[Arg402Gln;Ser192Tyr] allele as likely pathogenic. When it is unclear whether the c.575C>A (p.Ser192Tyr) variant is part of the complex allele or not, then the clinical significance of it is uncertain.

OMIM
Classification: association for SKIN/HAIR/EYE PIGMENTATION 3, LIGHT/DARK SKIN. Last evaluated: 2017-10-30. Review status: no assertion criteria provided. Collection method: literature only. Allele origin: germline. Not counted in ClinVar's aggregate classification.

GeneReviews
No classification provided. Condition: Oculocutaneous albinism type 1A. Review status: no classification provided. Collection method: literature only. Allele origin: unknown. Not counted in ClinVar's aggregate classification.

Kasturba Medical College, Manipal, Kasturba Medical College, Manipal, Manipal Academy of Higher Education, Manipal, India
Classification: Uncertain significance for Oculocutaneous albinism. Review status: no assertion criteria provided. Collection method: research. Allele origin: inherited. Inheritance: Autosomal recessive inheritance. Affected: yes. Observed: 1 variant allele, 1 homozygote. Not counted in ClinVar's aggregate classification.

Retina International
No classification provided. Review status: no classification provided. Collection method: not provided. Allele origin: not provided. Not counted in ClinVar's aggregate classification.

Centre for Mendelian Genomics, University Medical Centre Ljubljana
Classification: Uncertain significance for Oculocutaneous albinism type 1A. Last evaluated: 2019-11-07. Review status: flagged submission. Criteria: ACMG Guidelines, 2015. Collection method: clinical testing. Allele origin: unknown. Affected: yes. Not counted in ClinVar's aggregate classification.
Comment: This variant was classified as: Uncertain significance. The available evidence on this variant's pathogenicity is insufficient or conflicting. The following ACMG criteria were applied in classifying this variant: PS3,PP3,PP4,BP6,BS1,BA1.
ClinVar note: Notes: Variant is part of disease-associated haplotype, but is benign on its own.
ClinVar note: Reason: Outlier claim with insufficient supporting evidence

Literature cited by the submitters: PubMed 16907708 (cited by Women's Health and Genetics/Laboratory Corporation of America, LabCorp); PubMed 28378818 (cited by Women's Health and Genetics/Laboratory Corporation of America, LabCorp); PubMed 26165494 (cited by Women's Health and Genetics/Laboratory Corporation of America, LabCorp); PubMed 1899321 (cited by OMIM); PubMed 17999355 (cited by OMIM); PubMed 17952075 (cited by OMIM); PubMed 20301345 (cited by GeneReviews); NCBI Bookshelf NBK1166 (cited by GeneReviews).